The following is an entry in ClinVar:

ClinVar aggregate classification (germline): Uncertain significance. Review status: criteria provided, multiple submitters, no conflicts (2 of 4 stars). 2 submissions from 2 submitters: Uncertain significance (2). Last evaluated 2025-10-21.

Allele frequency attached by ClinVar (database versions not stated): gnomAD exomes below 0.00001 and 0.00008; gnomAD 0.00001; TOPMed 0.00001.
gnomAD v4.1: 111 of 1,614,088 alleles (0.0069%); highest among the groups gnomAD compares: Non-Finnish European, 0.0092%; no homozygotes.

Submissions (2):

Ambry Genetics
Classification: Uncertain significance. Last evaluated: 2025-10-21. Review status: criteria provided, single submitter. Criteria: Ambry Variant Classification Scheme 2023. Collection method: clinical testing. Allele origin: germline.

Labcorp Genetics (formerly Invitae), Labcorp
Classification: Uncertain significance. Last evaluated: 2023-07-14. Review status: criteria provided, single submitter. Criteria: Invitae Variant Classification Sherloc (09022015). Collection method: clinical testing. Allele origin: germline.
Comment: ClinVar contains an entry for this variant (Variation ID: 1461489). This variant has not been reported in the literature in individuals affected with SNIP1-related conditions. This variant is present in population databases (rs781500306, gnomAD 0.0009%). This sequence change replaces lysine, which is basic and polar, with threonine, which is neutral and polar, at codon 90 of the SNIP1 protein (p.Lys90Thr). In summary, the available evidence is currently insufficient to determine the role of this variant in disease. Therefore, it has been classified as a Variant of Uncertain Significance. Advanced modeling of protein sequence and biophysical properties (such as structural, functional, and spatial information, amino acid conservation, physicochemical variation, residue mobility, and thermodynamic stability) performed at Invitae indicates that this missense variant is not expected to disrupt SNIP1 protein function.

NM_024700.4(SNIP1):c.269A>C (p.Lys90Thr)

Gene: SNIP1 (Smad nuclear interacting protein 1; minus strand). Cytogenetic location: 1p34.3.
Variant type: single nucleotide variant.
Coding change: c.269A>C on transcript NM_024700.4 (MANE Select); coding-DNA position 269, A replaced by C.
Protein change: p.Lys90Thr; replaces lysine 90 with threonine.
Molecular consequence: missense variant.
Genome position (GRCh38, 1-based): chr1:37,552,703, T>G on the plus strand (A>C on the coding strand, the complement: SNIP1 is on the minus strand). VCF-style: chr1-37552703-T-G. GRCh37 (hg19) VCF-style: chr1-38018304-T-G.
Other names: c.269A>C (NM_024700.2); short protein forms K90T.
Identifiers: ClinVar variation 1461489 (VCV001461489.9), dbSNP rs781500306, ClinGen allele CA20794380.
Genomic context (GRCh38, chr1:37,552,703, plus strand): 5'-ACCTGCTTCACTTTGACTGTTGAGTGGTGAGGACTTCGGTTTCTCTTACTGCGAGGAGAC[T>G]TGCTTCTTCTCCCTGAGGCCTTGTTTTTCTTTTTGGGTGGGGACCTATTCAGAGCATGGT-3'
Protein context (NP_078976.2, residues 80-100): KKNKASGRRS[Lys90Thr]SPRSKRNRSP